The following is an entry in ClinVar:

NM_001384732.1(CPLANE1):c.2504A>G (p.Glu835Gly)

Gene: CPLANE1 (ciliogenesis and planar polarity effector complex subunit 1; minus strand). Cytogenetic location: 5p13.2.
Variant type: single nucleotide variant.
Coding change: c.2504A>G on transcript NM_001384732.1 (MANE Select); coding-DNA position 2504, A replaced by G.
Protein change: p.Glu835Gly; replaces glutamic acid 835 with glycine.
Molecular consequence: missense variant.
Genome position (GRCh38, 1-based): chr5:37,224,330, T>C on the plus strand (A>G on the coding strand, the complement: CPLANE1 is on the minus strand). VCF-style: chr5-37224330-T-C. GRCh37 (hg19) VCF-style: chr5-37224432-T-C.
Other names: c.2504A>G (NM_023073.3); c.2504A>G, p.Glu835Gly (NM_023073.4); short protein forms E835G.
Identifiers: ClinVar variation 2048048 (VCV002048048.6), dbSNP rs1795997317, ClinGen allele CA359492338.
Genomic context (GRCh38, chr5:37,224,330, plus strand): 5'-TGTAGAGCTTTTTTCCACAGCTGAACAGACTTTTCATATGATCCTAATAAAAAACATTCT[T>C]CCCCTAGAAAGTTTTTAACCAACAATTAGTCATAGTTAATTATATTACTTCATAAAAATT-3'
Protein context (NP_001371661.1, residues 825-845): QTLELKSING[Glu835Gly]ECFLLGSYEK

ClinVar aggregate classification (germline): Uncertain significance. Review status: criteria provided, multiple submitters, no conflicts (2 of 4 stars). 3 submissions from 3 submitters: Uncertain significance (3). Last evaluated 2025-01-23.

Conditions:
Inborn genetic diseases. Identifiers: MedGen C0950123, MeSH D030342.
Orofaciodigital syndrome type 6 (OFD6). Also called: VARADI SYNDROME; VARADI-PAPP SYNDROME; Oral-facial-digital syndrome type 6; Central polydactyly cleft lip/palate or lingual lump and psychomotor retardation; Y-shaped central metacarpal and cerebellar defect; Joubert syndrome with orofacialdigital anomalies. Identifiers: Orphanet 2754, MedGen C2745997, MONDO:0010176, OMIM 277170.
Joubert syndrome 17 (JBTS17). Identifiers: Orphanet 475, MedGen C3553264, MONDO:0013824, OMIM 614615.

Allele frequency attached by ClinVar (database versions not stated): gnomAD 0.00001; TOPMed 0.00002.
gnomAD v4.1: 2 of 1,542,144 alleles (0.00013%); highest among the groups gnomAD compares: East Asian, 0.0025%; no homozygotes.

Submissions (3):

Ambry Genetics
Classification: Uncertain significance for Inborn genetic diseases. Last evaluated: 2025-01-23. Review status: criteria provided, single submitter. Criteria: Ambry Variant Classification Scheme 2023. Collection method: clinical testing. Allele origin: germline.
Comment: The c.2504A>G (p.E835G) alteration is located in exon 14 (coding exon 13) of the CPLANE1 gene. This alteration results from an A to G substitution at nucleotide position 2504, causing the glutamic acid (E) at amino acid position 835 to be replaced by a glycine (G). This variant was not reported in population-based cohorts in the Genome Aggregation Database (gnomAD). This amino acid position is highly conserved in available vertebrate species. This alteration is predicted to be tolerated by in silico analysis. Based on insufficient or conflicting evidence, the clinical significance of this alteration remains unclear.

Labcorp Genetics (formerly Invitae), Labcorp
Classification: Uncertain significance. Last evaluated: 2024-05-29. Review status: criteria provided, single submitter. Criteria: Invitae Variant Classification Sherloc (09022015). Collection method: clinical testing. Allele origin: germline.
Comment: This sequence change replaces glutamic acid, which is acidic and polar, with glycine, which is neutral and non-polar, at codon 835 of the CPLANE1 protein (p.Glu835Gly). This variant is not present in population databases (gnomAD no frequency). This variant has not been reported in the literature in individuals affected with CPLANE1-related conditions. ClinVar contains an entry for this variant (Variation ID: 2048048). Advanced modeling of protein sequence and biophysical properties (such as structural, functional, and spatial information, amino acid conservation, physicochemical variation, residue mobility, and thermodynamic stability) performed at Invitae indicates that this missense variant is not expected to disrupt CPLANE1 protein function with a negative predictive value of 95%. In summary, the available evidence is currently insufficient to determine the role of this variant in disease. Therefore, it has been classified as a Variant of Uncertain Significance.

Fulgent Genetics
Classification: Uncertain significance for Orofaciodigital syndrome type 6; Joubert syndrome 17. Last evaluated: 2024-03-11. Review status: criteria provided, single submitter. Criteria: ACMG Guidelines, 2015. Collection method: clinical testing. Allele origin: germline.